The following is an entry in ClinVar:

ClinVar aggregate classification (germline): Uncertain significance. Review status: criteria provided, multiple submitters, no conflicts (2 of 4 stars). 4 submissions from 4 submitters: Uncertain significance (4). Last evaluated 2025-09-22.

Conditions:
Megacystis-microcolon-intestinal hypoperistalsis syndrome 1. Identifiers: MedGen C5542316, MONDO:0100354, OMIM 249210.
Aortic aneurysm, familial thoracic 7 (AAT7). Also called: AORTIC DISSECTION, FAMILIAL, WITH OR WITHOUT AORTIC ANEURYSM. Identifiers: MedGen C3151077, MONDO:0013418, OMIM 613780.
Familial thoracic aortic aneurysm and aortic dissection (TAAD). Also called: Thoracic aortic aneurysms and dissections. Identifiers: Orphanet 91387, MedGen C4707243, MONDO:0019625.

Allele frequency attached by ClinVar (database versions not stated): gnomAD exomes 0.00001; ExAC 0.00002; TOPMed 0.00003; gnomAD 0.00005; ESP Exome Variant Server 0.00008; 1000 Genomes Project 30x 0.00016; 1000 Genomes Project 0.00020.
gnomAD v4.1: 53 of 1,614,106 alleles (0.0033%); highest among the groups gnomAD compares: Non-Finnish European, 0.0035%; no homozygotes.

Submissions (4):

Labcorp Genetics (formerly Invitae), Labcorp
Classification: Uncertain significance for Aortic aneurysm, familial thoracic 7. Last evaluated: 2025-09-22. Review status: criteria provided, single submitter. Criteria: Invitae Variant Classification Sherloc (09022015). Collection method: clinical testing. Allele origin: germline.
Comment: This sequence change replaces arginine, which is basic and polar, with histidine, which is basic and polar, at codon 705 of the MYLK protein (p.Arg705His). This variant is present in population databases (rs189505310, gnomAD 0.004%). This variant has not been reported in the literature in individuals affected with MYLK-related conditions. ClinVar contains an entry for this variant (Variation ID: 859008). Invitae Evidence Modeling of protein sequence and biophysical properties (such as structural, functional, and spatial information, amino acid conservation, physicochemical variation, residue mobility, and thermodynamic stability) indicates that this missense variant is not expected to disrupt MYLK protein function with a negative predictive value of 80%. In summary, the available evidence is currently insufficient to determine the role of this variant in disease. Therefore, it has been classified as a Variant of Uncertain Significance.

GeneDx
Classification: Uncertain significance. Last evaluated: 2024-07-09. Review status: criteria provided, single submitter. Criteria: GeneDx Variant Classification Process June 2021. Collection method: clinical testing. Allele origin: germline. Affected: yes.
Comment: Not observed at significant frequency in large population cohorts (gnomAD); In silico analysis indicates that this missense variant does not alter protein structure/function; Has not been previously published as pathogenic or benign to our knowledge

Fulgent Genetics
Classification: Uncertain significance for Megacystis-microcolon-intestinal hypoperistalsis syndrome 1; Aortic aneurysm, familial thoracic 7. Last evaluated: 2021-10-30. Review status: criteria provided, single submitter. Criteria: ACMG Guidelines, 2015. Collection method: clinical testing. Allele origin: unknown.

Ambry Genetics
Classification: Uncertain significance for Familial thoracic aortic aneurysm and aortic dissection. Last evaluated: 2021-04-19. Review status: criteria provided, single submitter. Criteria: Ambry Variant Classification Scheme 2023. Collection method: clinical testing. Allele origin: germline.
Comment: The p.R705H variant (also known as c.2114G>A), located in coding exon 12 of the MYLK gene, results from a G to A substitution at nucleotide position 2114. The arginine at codon 705 is replaced by histidine, an amino acid with highly similar properties. This amino acid position is not well conserved in available vertebrate species. In addition, this alteration is predicted to be tolerated by in silico analysis. Since supporting evidence is limited at this time, the clinical significance of this alteration remains unclear.

NM_053025.4(MYLK):c.2114G>A (p.Arg705His)

Gene: MYLK (myosin light chain kinase; minus strand). Cytogenetic location: 3q21.1.
Variant type: single nucleotide variant.
Coding change: c.2114G>A on transcript NM_053025.4 (MANE Select); coding-DNA position 2114, G replaced by A.
Protein change: p.Arg705His; replaces arginine 705 with histidine.
Molecular consequence: missense variant.
Genome position (GRCh38, 1-based): chr3:123,708,724, C>T on the plus strand (G>A on the coding strand, the complement: MYLK is on the minus strand). VCF-style: chr3-123708724-C-T. GRCh37 (hg19) VCF-style: chr3-123427571-C-T.
Other names: c.1586G>A, p.Arg529His (NM_001321309.2); c.1907G>A, p.Arg636His (NM_053026.4, NM_053028.4); c.2114G>A, p.Arg705His (NM_053027.4); short protein forms R529H, R636H, R705H.
Identifiers: ClinVar variation 859008 (VCV000859008.11), dbSNP rs189505310, ClinGen allele CA068085.
Genomic context (GRCh38, chr3:123,708,724, plus strand): 5'-TCCTTCCCACTCGCTCTGAGTGGGTCAGCCTCACCTTGTACCGTGAGCACGGCCTGGGTG[C>T]GGACCTCTCCAGCGCTGTTCCAGGCCTCGCAGGTGTACGTGCCCGTGTCCTCCGGGAACA-3'
Protein context (NP_444253.3, residues 695-715): CEAWNSAGEV[Arg705His]TQAVLTVQEP